The following is an entry in ClinVar:

NM_198576.4(AGRN):c.3719C>T (p.Pro1240Leu)

Gene: AGRN (agrin; plus strand). Cytogenetic location: 1p36.33.
Variant type: single nucleotide variant.
Coding change: c.3719C>T on transcript NM_198576.4 (MANE Select); coding-DNA position 3719, C replaced by T.
Protein change: p.Pro1240Leu; replaces proline 1240 with leucine.
Molecular consequence: missense variant.
Genome position (GRCh38, 1-based): chr1:1,047,863, C>T. VCF-style: chr1-1047863-C-T. GRCh37 (hg19) VCF-style: chr1-983243-C-T.
Other names: p.Pro1240Leu; c.3719C>T, p.Pro1240Leu (NM_001305275.2); c.3404C>T, p.Pro1135Leu (NM_001364727.2); short protein forms P1240L, P1135L.
Identifiers: ClinVar variation 263182 (VCV000263182.21), dbSNP rs142620337, ClinGen allele CA509198.

ClinVar aggregate classification (germline): Conflicting classifications of pathogenicity. Review status: criteria provided, conflicting classifications (1 of 4 stars). 6 submissions from 6 submitters: Uncertain significance (1); Likely benign (4). 1 of the submissions does not count toward it. Last evaluated 2026-05-29.

Conditions:
AGRN-related disorder. Also called: AGRN-related condition.
Congenital myasthenic syndrome 8. Also called: MYASTHENIC SYNDROME, CONGENITAL, DUE TO AGRIN DEFICIENCY; Myasthenic syndrome, congenital, 8, with pre- and postsynaptic defects. Identifiers: Orphanet 590, MedGen C3808739, MONDO:0014052, OMIM 615120.

Allele frequency attached by ClinVar (database versions not stated): 1000 Genomes Project 30x 0.00141; TOPMed 0.00167; 1000 Genomes Project 0.00180; gnomAD exomes 0.00191; ESP Exome Variant Server 0.00209; ExAC 0.00280.

Submissions (6):

Women's Health and Genetics/Laboratory Corporation of America, LabCorp
Classification: Likely benign. Last evaluated: 2026-05-29. Review status: criteria provided, single submitter. Criteria: LabCorp Variant Classification Summary - May 2015. Collection method: clinical testing. Allele origin: germline.
Comment: Variant summary: AGRN c.3719C>T (p.Pro1240Leu) results in a non-conservative amino acid change in the encoded protein sequence. Algorithms developed to predict the effect of missense changes on protein structure and function are either unavailable or do not agree on the potential impact of this missense change. The variant allele was found at a frequency of 0.0019 in 227228 control chromosomes, predominantly at a frequency of 0.0031 within the Non-Finnish European subpopulation in the gnomAD database, including 1 homozygotes. The observed variant frequency within Non-Finnish European control individuals in the gnomAD database exceeds the estimated maximal expected allele frequency for disease-causing variants in AGRN. c.3719C>T has been observed in homozygous state with another homozygous missense variant in an individual affected with AGRN-related conditions (Theuriet_2024). These report(s) do not provide unequivocal conclusions about association of the variant with disease. To our knowledge, no experimental evidence demonstrating an impact on protein function has been reported. The following publication have been ascertained in the context of this evaluation (PMID: 38696726). ClinVar contains an entry for this variant (Variation ID: 263182). Based on the evidence outlined above, the variant was classified as likely benign.

CeGaT Center for Human Genetics Tuebingen
Classification: Likely benign. Last evaluated: 2026-03-01. Review status: criteria provided, single submitter. Criteria: CeGaT Center For Human Genetics Tuebingen Variant Classification Criteria Version 2. Collection method: clinical testing. Allele origin: germline. Affected: yes. Observed: 1 variant allele.
Comment: AGRN: BS2

Labcorp Genetics (formerly Invitae), Labcorp
Classification: Likely benign for Congenital myasthenic syndrome 8. Last evaluated: 2026-02-03. Review status: criteria provided, single submitter. Criteria: Invitae Variant Classification Sherloc (09022015). Collection method: clinical testing. Allele origin: germline.

Mayo Clinic Laboratories, Mayo Clinic
Classification: Uncertain significance. Last evaluated: 2025-10-22. Review status: criteria provided, single submitter. Criteria: ACMG Guidelines, 2015. Collection method: clinical testing. Allele origin: germline. Observed: 1 variant allele.
Comment: BS2

Blueprint Genetics
Classification: Likely benign. Last evaluated: 2024-11-20. Review status: criteria provided, single submitter. Criteria: ACMG Guidelines, 2015. Collection method: clinical testing. Allele origin: germline.

PreventionGenetics, part of Exact Sciences
Classification: Likely benign for AGRN-related condition. Last evaluated: 2021-08-25. Review status: no assertion criteria provided. Collection method: clinical testing. Allele origin: germline. Not counted in ClinVar's aggregate classification.
Comment: This variant is classified as likely benign based on ACMG/AMP sequence variant interpretation guidelines (Richards et al. 2015 PMID: 25741868, with internal and published modifications).

Literature cited by the submitters: PubMed 38696726 (cited by Women's Health and Genetics/Laboratory Corporation of America, LabCorp).